The following is an entry in ClinVar:

ClinVar aggregate classification (germline): Uncertain significance. Review status: criteria provided, multiple submitters, no conflicts (2 of 4 stars). 2 submissions from 2 submitters: Uncertain significance (2). Last evaluated 2024-12-05.

Conditions:
Inborn genetic diseases. Identifiers: MedGen C0950123, MeSH D030342.

Submissions (2):

Labcorp Genetics (formerly Invitae), Labcorp
Classification: Uncertain significance. Last evaluated: 2024-12-05. Review status: criteria provided, single submitter. Criteria: Invitae Variant Classification Sherloc (09022015). Collection method: clinical testing. Allele origin: germline.
Comment: This sequence change replaces phenylalanine, which is neutral and non-polar, with cysteine, which is neutral and slightly polar, at codon 1446 of the ATR protein (p.Phe1446Cys). This variant is not present in population databases (gnomAD no frequency). This variant has not been reported in the literature in individuals affected with ATR-related conditions. ClinVar contains an entry for this variant (Variation ID: 1739824). An algorithm developed to predict the effect of missense changes on protein structure and function (PolyPhen-2) suggests that this variant is likely to be disruptive. In summary, the available evidence is currently insufficient to determine the role of this variant in disease. Therefore, it has been classified as a Variant of Uncertain Significance.

Ambry Genetics
Classification: Uncertain significance for Inborn genetic diseases. Last evaluated: 2021-12-20. Review status: criteria provided, single submitter. Criteria: Ambry Variant Classification Scheme 2023. Collection method: clinical testing. Allele origin: germline.
Comment: The p.F1446C variant (also known as c.4337T>G), located in coding exon 24 of the ATR gene, results from a T to G substitution at nucleotide position 4337. The phenylalanine at codon 1446 is replaced by cysteine, an amino acid with highly dissimilar properties. This amino acid position is conserved. In addition, the in silico prediction for this alteration is inconclusive. Since supporting evidence is limited at this time, the clinical significance of this alteration remains unclear.

NM_001184.4(ATR):c.4337T>G (p.Phe1446Cys)

Gene: ATR (ATR checkpoint kinase; minus strand). Cytogenetic location: 3q23.
Variant type: single nucleotide variant.
Coding change: c.4337T>G on transcript NM_001184.4 (MANE Select); coding-DNA position 4337, T replaced by G.
Protein change: p.Phe1446Cys; replaces phenylalanine 1446 with cysteine.
Molecular consequence: missense variant.
Genome position (GRCh38, 1-based): chr3:142,519,714, A>C on the plus strand (T>G on the coding strand, the complement: ATR is on the minus strand). VCF-style: chr3-142519714-A-C. GRCh37 (hg19) VCF-style: chr3-142238556-A-C.
Other names: c.4145T>G, p.Phe1382Cys (NM_001354579.2); short protein forms F1382C, F1446C.
Identifiers: ClinVar variation 1739824 (VCV001739824.4), dbSNP rs2473244945, ClinGen allele CA354800217.